The following is an entry in ClinVar:

NM_000944.5(PPP3CA):c.641A>G (p.Lys214Arg)

Gene: PPP3CA (protein phosphatase 3 catalytic subunit alpha; minus strand). Cytogenetic location: 4q24.
Variant type: single nucleotide variant.
Coding change: c.641A>G on transcript NM_000944.5 (MANE Select); coding-DNA position 641, A replaced by G.
Protein change: p.Lys214Arg; replaces lysine 214 with arginine.
Molecular consequence: missense variant.
Genome position (GRCh38, 1-based): chr4:101,098,368, T>C on the plus strand (A>G on the coding strand, the complement: PPP3CA is on the minus strand). VCF-style: chr4-101098368-T-C. GRCh37 (hg19) VCF-style: chr4-102019525-T-C.
Other names: c.641A>G, p.Lys214Arg (NM_001130691.2, NM_001130692.2); short protein forms K214R.
Identifiers: ClinVar variation 3664476 (VCV003664476.2).

ClinVar aggregate classification (germline): Uncertain significance (1 of 4 stars; one submission).

Submission:

Labcorp Genetics (formerly Invitae), Labcorp
Classification: Uncertain significance. Last evaluated: 2024-09-10. Review status: criteria provided, single submitter. Criteria: Invitae Variant Classification Sherloc (09022015). Collection method: clinical testing. Allele origin: germline.
Comment: This sequence change replaces lysine, which is basic and polar, with arginine, which is basic and polar, at codon 214 of the PPP3CA protein (p.Lys214Arg). This variant is not present in population databases (gnomAD no frequency). This variant has not been reported in the literature in individuals affected with PPP3CA-related conditions. An algorithm developed to predict the effect of missense changes on protein structure and function (PolyPhen-2) suggests that this variant is likely to be tolerated. In summary, the available evidence is currently insufficient to determine the role of this variant in disease. Therefore, it has been classified as a Variant of Uncertain Significance.